The following is an entry in ClinVar:

ClinVar aggregate classification (germline): Pathogenic. Review status: reviewed by expert panel (3 of 4 stars). 5 submissions from 5 submitters: Pathogenic (1). 4 of the submissions do not count toward it. Last evaluated 2022-04-14.

Conditions:
Maturity-onset diabetes of the young (MODY). Also called: Maturity onset diabetes mellitus in young. Identifiers: Orphanet 552, MedGen C0342276, MONDO:0018911, HP:0004904.
Monogenic diabetes. Identifiers: Orphanet 183625, MedGen C3888631, MONDO:0015967.
HNF1A-related disorders.

Allele frequency attached by ClinVar (database versions not stated): gnomAD exomes below 0.00001; ExAC 0.00001.

Submissions (5):

ClinGen Monogenic Diabetes Variant Curation Expert Panel
Classification: Pathogenic for Monogenic diabetes. Last evaluated: 2022-04-14. Review status: reviewed by expert panel. Criteria: ClinGen Diabetes ACMG Specifications v1 1. Collection method: curation. Allele origin: germline. Inheritance: Autosomal dominant inheritance.
Comment: The c.787C>T variant in the HNF1 homeobox A] gene, HNF1A, causes an amino acid change of arginine to cysteine at codon 263 (p.Arg263Cys) of NM_000545.8. This variant resides in an amino acid within the HNF1α DNA binding domain that directly binds DNA, which is defined as critical for the protein’s function by the ClinGen MDEP (PM1). This variant is absent in the gnomAD v2.1.1 European non-Finnish population, and there is one copy in another subpopulation, which is less than the ClinGen MDEP threshold for PM2_Supporting (less than or equal to 0.00002 and less than or equal to 1 copy in any other subpopulation) (PM2_Supporting). This variant is also predicted to be deleterious by computational evidence, with a REVEL score of 0.948, which is greater than the MDEP VCEP threshold of 0.70 (PP3). This variant was identified in at least 21 unrelated individuals with non- autoimmune and non-absolute/near-absolute insulin-deficient diabetes (PS4; PMIDs: 30155490, 12574234, 25414397, 9287053; internal lab contributors). Additionally, another missense variant, c.788G>A (p.Arg263His), has been interpreted as pathogenic by the ClinGen MDEP and p.Arg263Cys has a greater Grantham distance (PM5). Functional studies demonstrated the p.Arg263Cys protein has DNA binding and transactivation activity below 40% of wild type, indicating that this variant impacts protein function (PS3_Supporting; PMID: 12574234). Also, this variant was identified in an individual with a clinical history highly specific for HNF1A-MODY (MODY probability calculator result >50%, negative genetic testing for HNF4A, and response to low dose sulfonylureas) (PP4_Moderate; internal lab contributors). Lastly, this variant segregated with diabetes, with 7 informative meioses in 2 families with MODY (PP1_Strong; PMID: 12574234, internal lab contributors). In summary, c.787C>T meets the criteria to be classified as pathogenic for monogenic diabetes. ACMG/AMP criteria applied, as specified by the ClinGen MDEP (specification version 1.1, approved 9/30/2021): PM1, PM2_Supporting, PP3, PS4, PM5, PS3_Supporting, PP4_Moderate, PP1_Strong.

Labcorp Genetics (formerly Invitae), Labcorp
Classification: Pathogenic. Last evaluated: 2025-09-15. Review status: criteria provided, single submitter. Criteria: Invitae Variant Classification Sherloc (09022015). Collection method: clinical testing. Allele origin: germline. Not counted in ClinVar's aggregate classification.
Comment: This sequence change replaces arginine, which is basic and polar, with cysteine, which is neutral and slightly polar, at codon 263 of the HNF1A protein (p.Arg263Cys). The frequency data for this variant in the population databases is considered unreliable, as metrics indicate poor data quality at this position in the gnomAD database. This missense change has been observed in individuals with maturity-onset diabetes of the young (MODY) (PMID: 12574234, 25414397, 30586318). It has also been observed to segregate with disease in related individuals. ClinVar contains an entry for this variant (Variation ID: 562367). Invitae Evidence Modeling of protein sequence and biophysical properties (such as structural, functional, and spatial information, amino acid conservation, physicochemical variation, residue mobility, and thermodynamic stability) has been performed for this missense variant. However, the output from this modeling did not meet the statistical confidence thresholds required to predict the impact of this variant on HNF1A protein function. Experimental studies have shown that this missense change affects HNF1A function (PMID: 12574234, 27899486). This variant disrupts the p.Arg263 amino acid residue in HNF1A. Other variant(s) that disrupt this residue have been determined to be pathogenic (PMID: 19336507, 30293189). This suggests that this residue is clinically significant, and that variants that disrupt this residue are likely to be disease-causing. For these reasons, this variant has been classified as Pathogenic.

Ambry Genetics
Classification: Pathogenic for Maturity-onset diabetes of the young. Last evaluated: 2024-11-14. Review status: criteria provided, single submitter. Criteria: Ambry Variant Classification Scheme 2023. Collection method: clinical testing. Allele origin: germline. Not counted in ClinVar's aggregate classification.
Comment: The p.R263C pathogenic mutation (also known as c.787C>T), located in coding exon 4 of the HNF1A gene, results from a C to T substitution at nucleotide position 787. The arginine at codon 263 is replaced by cysteine, an amino acid with highly dissimilar properties. This variant was identified in one or more individuals with features consistent with maturity-onset diabetes of the young (MODY) and segregated with disease in at least one family (Iwasaki N et al. Diabetes, 1997 Sep;46:1504-8; Bj&oslash;rkhaug L et al. J Clin Endocrinol Metab, 2003 Feb;88:920-31; Delvecchio M et al. Diabetes Care, 2014 Dec;37:e258-60; Mirshahi UL et al. Am J Hum Genet, 2022 Nov;109:2018-2028). In multiple assays testing HNF1A function, this variant showed functionally abnormal results (Yang Q et al. Biochem Biophys Res Commun, 1999 Dec;266:196-202; Bj&oslash;rkhaug L et al. J Clin Endocrinol Metab, 2003 Feb;88:920-31). Another variant at the same codon, p.R263H (c.788G>A) has also been reported in association with MODY (Skupien J et al. Diabetes Metab, 2008 Nov;34:524-8). This amino acid position is highly conserved in available vertebrate species. In addition, this alteration is predicted to be deleterious by in silico analysis. Based on the supporting evidence, this variant is interpreted as a disease-causing mutation.

Blueprint Genetics
Classification: Pathogenic for HNF1A-related disorders. Last evaluated: 2023-04-04. Review status: criteria provided, single submitter. Criteria: ACMG Guidelines, 2015. Collection method: clinical testing. Allele origin: germline. Affected: yes. Observed: 4 variant alleles. Not counted in ClinVar's aggregate classification.

Gharavi Laboratory, Columbia University
Classification: Pathogenic. Last evaluated: 2018-09-16. Review status: no assertion criteria provided. Criteria: ACMG Guidelines, 2015. Collection method: research. Allele origin: germline. Affected: yes. Not counted in ClinVar's aggregate classification.

Literature cited by the submitters: PubMed 12574234 (cited by Labcorp Genetics (formerly Invitae), Labcorp and Ambry Genetics); PubMed 25414397 (cited by Labcorp Genetics (formerly Invitae), Labcorp and Ambry Genetics); PubMed 30586318 (cited by Labcorp Genetics (formerly Invitae), Labcorp); PubMed 27899486 (cited by Labcorp Genetics (formerly Invitae), Labcorp and Ambry Genetics); PubMed 19336507 (cited by Labcorp Genetics (formerly Invitae), Labcorp); PubMed 30293189 (cited by Labcorp Genetics (formerly Invitae), Labcorp); PubMed 10581189 (cited by Ambry Genetics); PubMed 32017842 (cited by Ambry Genetics); PubMed 32238361 (cited by Ambry Genetics); PubMed 35257744 (cited by Ambry Genetics); PubMed 36257325 (cited by Ambry Genetics); PubMed 9287053 (cited by Ambry Genetics).

NM_000545.8(HNF1A):c.787C>T (p.Arg263Cys)

Gene: HNF1A (HNF1 homeobox A; plus strand). Cytogenetic location: 12q24.31.
Variant type: single nucleotide variant.
Coding change: c.787C>T on transcript NM_000545.8 (MANE Select); coding-DNA position 787, C replaced by T.
Protein change: p.Arg263Cys; replaces arginine 263 with cysteine.
Molecular consequence: missense variant.
Genome position (GRCh38, 1-based): chr12:120,994,237, C>T. VCF-style: chr12-120994237-C-T. GRCh37 (hg19) VCF-style: chr12-121432040-C-T.
Other names: NM_000545.6(HNF1A):c.787C>T; p.Arg263Cys; c.787C>T (NM_000545.5); c.787C>T, p.Arg263Cys (NM_001306179.2); short protein forms R263C.
Identifiers: ClinVar variation 562367 (VCV000562367.9), dbSNP rs771108132, ClinGen allele CA6831834.